The following is an entry in ClinVar:

ClinVar aggregate classification (germline): Pathogenic (1 of 4 stars; one submission).

Submission:

GeneDx
Classification: Pathogenic. Last evaluated: 2014-01-19. Review status: criteria provided, single submitter. Criteria: GeneDx Variant Classification (06012015). Collection method: clinical testing. Allele origin: germline. Affected: yes.
Comment: Although the c.2744delA mutation in the MYBPC3 gene has not been reported to our knowledge, this mutation causes a shift in reading frame starting at codon Glutamic acid915, changing it to a Glycine, and creating a premature stop codon at position nine of the new reading frame, denoted p.Glu915GlyfsX9. This mutation is expected to result in either an abnormal, truncated protein product or loss of protein from this allele through nonsense-mediated mRNA decay. Other frameshift mutations in the MYBPC3 gene have been reported in association with cardiomyopathy. In summary, c.2744delA in the MYBPC3 gene is interpreted as a disease-causing mutation.

NM_000256.3(MYBPC3):c.2744del (p.Glu915fs)

Gene: MYBPC3 (myosin binding protein C3; minus strand). Cytogenetic location: 11p11.2.
Variant type: Deletion.
Coding change: c.2744del on transcript NM_000256.3 (MANE Select); coding-DNA position 2744, one base deleted (A; older notation c.2744delA).
Protein change: p.Glu915fs; shifts the reading frame from glutamic acid 915.
Molecular consequence: frameshift variant.
Genome position (GRCh38, 1-based): chr11:47,335,203, T deleted on the plus strand (A on the coding strand, the reverse complement: MYBPC3 is on the minus strand). VCF-style (leftmost placement, unchanged base first): chr11-47335202-CT-C. GRCh37 (hg19) VCF-style: chr11-47356753-CT-C.
Other names: c.2744del, p.Glu915fs (LRG_386t1); c.2744delA (NM_000256.3); short protein forms E915fs.
Identifiers: ClinVar variation 181088 (VCV000181088.2), dbSNP rs730880661, ClinGen allele CA012927.
Genomic context (GRCh38, chr11:47,335,202, plus strand): 5'-GGGCAGGTCCTTCACCAGTATCGATGTGTGCTCTGTCAGCCCCTGCAGGGCAGCCACCCA[CT>C]CTGAGCCTGGGGGTGGGGAGGGGGAGGCAAGGCCACAGGCTGTGTCACCACTGACACCCC-3'